The following is an entry in ClinVar:

ClinVar aggregate classification (germline): Likely benign. Review status: criteria provided, multiple submitters, no conflicts (2 of 4 stars). 5 submissions from 5 submitters: Likely benign (4). 1 of the submissions does not count toward it. Last evaluated 2025-11-03.

Conditions:
RYR1-related disorder. Also called: RYR1-related disorders; RYR1-related condition. Identifiers: MedGen CN239331.
Malignant hyperthermia, susceptibility to, 1 (MHS1). Also called: Malignant hyperthermia suceptibility 1; RYR1-Related Malignant Hyperthermia Susceptibility; Anesthesia related hyperthermia; Malignant hyperpyrexia; Fulminating hyperpyrexia; Pharmacogenic myopathy. Identifiers: Orphanet 423, MedGen C2930980, MONDO:0007783, OMIM 145600.
Congenital myopathy with fiber type disproportion. Also called: Congenital fiber-type disproportion myopathy; Congenital fiber-type disproportion. Identifiers: Orphanet 2020, MedGen C0546264, MONDO:0009711. Inheritance: all.
Central core myopathy (CMYO1A). Also called: CONGENITAL MYOPATHY 1A, AUTOSOMAL DOMINANT, WITH SUSCEPTIBILITY TO MALIGNANT HYPERTHERMIA; Central core disease; Myopathy, central fibrillar. Identifiers: Orphanet 597, MedGen C5830701, MONDO:0007294, OMIM 117000.
Congenital multicore myopathy with external ophthalmoplegia (CMYO1B). Also called: Minicore myopathy with external ophthalmoplegia; MULTIMINICORE DISEASE WITH EXTERNAL OPHTHALMOPLEGIA; Congenital myopathy 1B, autosomal recessive; Minicore myopathy; MULTICORE MYOPATHY. Identifiers: Orphanet 598, Orphanet 98905, MedGen C1850674, MONDO:0009712, OMIM 255320, HP:0003789.
King Denborough syndrome (KDS). Identifiers: MedGen C1840365, MONDO:0020485, OMIM 619542.

Allele frequency attached by ClinVar (database versions not stated): gnomAD 0.00003 and 0.00006; gnomAD exomes 0.00005 and 0.00008; TOPMed 0.00008; ExAC 0.00010; 1000 Genomes Project 0.00020; 1000 Genomes Project 30x 0.00047.
gnomAD v4.1: 85 of 1,614,064 alleles (0.0053%); highest among the groups gnomAD compares: East Asian, 0.12%; 1 homozygote.

Submissions (5):

Labcorp Genetics (formerly Invitae), Labcorp
Classification: Likely benign for RYR1-related disorder. Last evaluated: 2025-11-03. Review status: criteria provided, single submitter. Criteria: Invitae Variant Classification Sherloc (09022015). Collection method: clinical testing. Allele origin: germline.

All of Us Research Program, National Institutes of Health
Classification: Likely benign for Malignant hyperthermia, susceptibility to, 1. Last evaluated: 2024-01-11. Review status: criteria provided, single submitter. Criteria: ACMG Guidelines, 2015. Collection method: clinical testing. Allele origin: germline. Inheritance: Autosomal dominant inheritance. Observed: 4 variant alleles, 4 heterozygotes.
Comment: This study involves interpretation of variants in research participants for the purpose of population health screening. Participant phenotype was not available at the time of variant classification. Additional details can be found in publication PMID: 35346344, PMCID: PMC8962531

Color Diagnostics, LLC DBA Color Health
Classification: Likely benign for Malignant hyperthermia, susceptibility to, 1. Last evaluated: 2022-12-22. Review status: criteria provided, single submitter. Criteria: ACMG Guidelines, 2015. Collection method: clinical testing. Allele origin: germline.

Fulgent Genetics
Classification: Likely benign for Central core myopathy; Malignant hyperthermia, susceptibility to, 1; Congenital myopathy 4A, autosomal dominant; Congenital multicore myopathy with external ophthalmoplegia; King Denborough syndrome. Last evaluated: 2022-01-26. Review status: criteria provided, single submitter. Criteria: ACMG Guidelines, 2015. Collection method: clinical testing. Allele origin: unknown.

PreventionGenetics, part of Exact Sciences
Classification: Likely benign for RYR1-related condition. Last evaluated: 2019-08-09. Review status: no assertion criteria provided. Collection method: clinical testing. Allele origin: germline. Not counted in ClinVar's aggregate classification.
Comment: This variant is classified as likely benign based on ACMG/AMP sequence variant interpretation guidelines (Richards et al. 2015 PMID: 25741868, with internal and published modifications).

NM_000540.3(RYR1):c.13932G>T (p.Leu4644=)

Gene: RYR1 (ryanodine receptor 1; plus strand). Cytogenetic location: 19q13.2.
Variant type: single nucleotide variant.
Coding change: c.13932G>T on transcript NM_000540.3 (MANE Select); coding-DNA position 13932, G replaced by T.
Protein change: p.Leu4644=; no amino-acid change (leucine 4644 retained).
Molecular consequence: synonymous variant.
Genome position (GRCh38, 1-based): chr19:38,572,204, G>T. VCF-style: chr19-38572204-G-T. GRCh37 (hg19) VCF-style: chr19-39062844-G-T.
Other names: c.13917G>T, p.Leu4639= (NM_001042723.2); c.13932G>T (NM_000540.2).
Identifiers: ClinVar variation 1012453 (VCV001012453.21), dbSNP rs199698011, ClinGen allele CA060663.